The following is an entry in ClinVar:

ClinVar aggregate classification (germline): Pathogenic (1 of 4 stars; one submission).

Submission:

Dasa
Classification: Pathogenic. Last evaluated: 2025-10-30. Review status: criteria provided, single submitter. Criteria: DASA Assertion Criteria. Collection method: clinical testing. Allele origin: germline.
Comment: NM_003632.3(CNTNAP1):c.1046del (p.Gly349Valfs*64) is a frameshift variant in CNTNAP1 predicted to alter the reading frame and introduce a premature termination codon and is predicted to result in an absent or altered protein product. Loss of function is an established disease mechanism for CNTNAP1-associated disorders. Also, this variant is absent from population databases. Based on the currently available evidence, this variant is classified as pathogenic.

NM_003632.3(CNTNAP1):c.1046del

Gene: CNTNAP1 (contactin associated protein 1; plus strand). Cytogenetic location: 17q21.2.
Variant type: Deletion.
Coding change: c.1046del on transcript NM_003632.3 (MANE Select); coding-DNA position 1046, one base deleted (G; older notation c.1046delG).
Molecular consequence: splice acceptor variant.
Genome position (GRCh38, 1-based): chr17:42,687,721, G deleted; the last of 3 consecutive G bases (chr17:42,687,719-42,687,721); deleting any one gives the same sequence. VCF-style (leftmost placement, unchanged base first): chr17-42687718-AG-A. GRCh37 (hg19) VCF-style: chr17-40839736-AG-A.
Identifiers: ClinVar variation 4852700 (VCV004852700.2).